The following is an entry in ClinVar:

NM_002700.3(POU4F3):c.694G>A (p.Glu232Lys)

Genes: POU4F3 (POU class 4 homeobox 3; plus strand), RBM27-POU4F3 (RBM27-POU4F3 readthrough; plus strand). Cytogenetic location: 5q32.
Variant type: single nucleotide variant.
Coding change: c.694G>A on transcript NM_002700.3 (MANE Select); coding-DNA position 694, G replaced by A.
Protein change: p.Glu232Lys; replaces glutamic acid 232 with lysine.
Molecular consequence: missense variant.
Genome position (GRCh38, 1-based): chr5:146,340,121, G>A. VCF-style: chr5-146340121-G-A. GRCh37 (hg19) VCF-style: chr5-145719684-G-A.
Other names: short protein forms E232K.
Identifiers: ClinVar variation 1303201 (VCV001303201.3), dbSNP rs2126961780, ClinGen allele CA361621929.

ClinVar aggregate classification (germline): Conflicting classifications of pathogenicity. Review status: criteria provided, conflicting classifications (1 of 4 stars). 2 submissions from 2 submitters: Likely pathogenic (1); Uncertain significance (1). Last evaluated 2019-07-17.

Conditions:
POU4F3-related disorder. Also called: POU4F3-related condition.

Submissions (2):

GeneDx
Classification: Uncertain significance. Last evaluated: 2019-07-17. Review status: criteria provided, single submitter. Criteria: GeneDx Variant Classification Process June 2021. Collection method: clinical testing. Allele origin: germline. Affected: yes.
Comment: Not observed in large population cohorts (Lek et al., 2016); In silico analysis, which includes protein predictors and evolutionary conservation, supports a deleterious effect; This variant is associated with the following publications: (PMID: 24556497, 24260153, 29850532, 22938506)

Blueprint Genetics
Classification: Likely pathogenic for POU4F3-related disorders. Last evaluated: 2018-11-29. Review status: criteria provided, single submitter. Criteria: ACMG Guidelines, 2015. Collection method: clinical testing. Allele origin: germline. Affected: yes. Observed: 1 variant allele.